The following is an entry in ClinVar:

NM_020921.4(NIN):c.4710G>C (p.Lys1570Asn)

Gene: NIN (ninein; minus strand). Cytogenetic location: 14q22.1.
Variant type: single nucleotide variant.
Coding change: c.4710G>C on transcript NM_020921.4 (MANE Select); coding-DNA position 4710, G replaced by C.
Protein change: p.Lys1570Asn; replaces lysine 1570 with asparagine.
Molecular consequence: missense variant.
Genome position (GRCh38, 1-based): chr14:50,754,587, C>G on the plus strand (G>C on the coding strand, the complement: NIN is on the minus strand). VCF-style: chr14-50754587-C-G. GRCh37 (hg19) VCF-style: chr14-51221305-C-G.
Other names: c.4710G>C (NM_020921.3); c.2571G>C, p.Lys857Asn (NM_016350.5); c.4710G>C, p.Lys1570Asn (NM_182944.3, NM_182946.2); short protein forms K857N, K1570N.
Identifiers: ClinVar variation 2052042 (VCV002052042.5), dbSNP rs746453080, ClinGen allele CA7181525.
Genomic context (GRCh38, chr14:50,754,587, plus strand): 5'-TCAAAAAACATTGAGAAATATTAAGTATTTCCTTACCTGTTTCTTTAAATTTTCAACCAT[C>G]TTCTGAACTGCAGCATTTTCTTGTTTTACAGTTTCCGTTTTTTGCCTAAAAGGAATGATG-3'
Protein context (NP_065972.4, residues 1560-1580): TVKQENAAVQ[Lys1570Asn]MVENLKKQIS

ClinVar aggregate classification (germline): Uncertain significance. Review status: criteria provided, multiple submitters, no conflicts (2 of 4 stars). 2 submissions from 2 submitters: Uncertain significance (2). Last evaluated 2025-05-16.

Allele frequency attached by ClinVar (database versions not stated): TOPMed below 0.00001; ExAC 0.00001.

Submissions (2):

Ambry Genetics
Classification: Uncertain significance. Last evaluated: 2025-05-16. Review status: criteria provided, single submitter. Criteria: Ambry Variant Classification Scheme 2023. Collection method: clinical testing. Allele origin: germline.

Labcorp Genetics (formerly Invitae), Labcorp
Classification: Uncertain significance. Last evaluated: 2021-12-23. Review status: criteria provided, single submitter. Criteria: Invitae Variant Classification Sherloc (09022015). Collection method: clinical testing. Allele origin: germline.
Comment: This sequence change replaces lysine, which is basic and polar, with asparagine, which is neutral and polar, at codon 1570 of the NIN protein (p.Lys1570Asn). This variant is present in population databases (rs746453080, gnomAD 0.01%). This variant has not been reported in the literature in individuals affected with NIN-related conditions. Algorithms developed to predict the effect of missense changes on protein structure and function are either unavailable or do not agree on the potential impact of this missense change (SIFT: "Deleterious"; PolyPhen-2: "Probably Damaging"; Align-GVGD: "Class C0"). In summary, the available evidence is currently insufficient to determine the role of this variant in disease. Therefore, it has been classified as a Variant of Uncertain Significance.